The following is an entry in ClinVar:

NM_201253.3(CRB1):c.3441_3442del (p.Cys1148fs)

Gene: CRB1 (crumbs cell polarity complex component 1; plus strand). Cytogenetic location: 1q31.3.
Variant type: Deletion.
Coding change: c.3441_3442del on transcript NM_201253.3 (MANE Select); coding-DNA positions 3441 to 3442, 2 bases deleted (CT; older notation c.3441_3442delCT).
Protein change: p.Cys1148fs; shifts the reading frame from cysteine 1148.
Molecular consequence: frameshift variant. On other transcripts: non-coding transcript variant (2), intron variant (1).
Genome position (GRCh38, 1-based): chr1:197,435,304-197,435,305, CT deleted. VCF-style (leftmost placement, unchanged base first): chr1-197435303-CCT-C. GRCh37 (hg19) VCF-style: chr1-197404433-CCT-C.
Other names: c.3105_3106del, p.Cys1036fs (NM_001193640.2); c.3369_3370del, p.Cys1124fs (NM_001257965.2); c.2129-296_2129-295del (NM_001257966.2); short protein forms C1036fs, C1124fs, C1148fs.
Identifiers: ClinVar variation 1939632 (VCV001939632.6), dbSNP rs1481850123, ClinGen allele CA528535388.

ClinVar aggregate classification (germline): Pathogenic/Likely pathogenic. Review status: criteria provided, multiple submitters, no conflicts (2 of 4 stars). 2 submissions from 2 submitters: Pathogenic (1); Likely pathogenic (1). Last evaluated 2023-04-26.

Conditions:
Retinitis pigmentosa 12 (RP12). Also called: RP WITH OR WITHOUT PRESERVED PARAARTERIOLE RETINAL PIGMENT EPITHELIUM; RETINITIS PIGMENTOSA WITH OR WITHOUT PARAARTERIOLAR PRESERVATION OF RETINAL PIGMENT EPITHELIUM; RP WITH OR WITHOUT PPRPE. Identifiers: Orphanet 791, MedGen C1838647, MONDO:0010818, OMIM 600105.
Leber congenital amaurosis 8 (LCA8). Identifiers: Orphanet 65, MedGen C3151202, MONDO:0013453, OMIM 613835.

Allele frequency attached by ClinVar (database versions not stated): gnomAD exomes below 0.00001; gnomAD 0.00001.

Submissions (2):

Baylor Genetics
Classification: Likely pathogenic for Leber congenital amaurosis 8. Last evaluated: 2023-04-26. Review status: criteria provided, single submitter. Criteria: ACMG Guidelines, 2015. Collection method: clinical testing. Allele origin: unknown.

Labcorp Genetics (formerly Invitae), Labcorp
Classification: Pathogenic for Leber congenital amaurosis 8; Retinitis pigmentosa 12. Last evaluated: 2022-01-23. Review status: criteria provided, single submitter. Criteria: Invitae Variant Classification Sherloc (09022015). Collection method: clinical testing. Allele origin: germline.
Comment: For these reasons, this variant has been classified as Pathogenic. This variant has not been reported in the literature in individuals affected with CRB1-related conditions. This variant is present in population databases (no rsID available, gnomAD 0.01%). This sequence change creates a premature translational stop signal (p.Cys1148Phefs*7) in the CRB1 gene. It is expected to result in an absent or disrupted protein product. Loss-of-function variants in CRB1 are known to be pathogenic (PMID: 10508521, 22065545, 23379534, 25412400, 26957898, 28041643, 29391521).

Literature cited by the submitters: PubMed 10508521 (cited by Labcorp Genetics (formerly Invitae), Labcorp); PubMed 22065545 (cited by Labcorp Genetics (formerly Invitae), Labcorp); PubMed 23379534 (cited by Labcorp Genetics (formerly Invitae), Labcorp); PubMed 25412400 (cited by Labcorp Genetics (formerly Invitae), Labcorp); PubMed 26957898 (cited by Labcorp Genetics (formerly Invitae), Labcorp); PubMed 28041643 (cited by Labcorp Genetics (formerly Invitae), Labcorp); PubMed 29391521 (cited by Labcorp Genetics (formerly Invitae), Labcorp).